The following is an entry in ClinVar:

ClinVar aggregate classification (germline): Pathogenic/Likely pathogenic. Review status: criteria provided, multiple submitters, no conflicts (2 of 4 stars). 4 submissions from 4 submitters: Pathogenic (2); Likely pathogenic (2). Last evaluated 2023-11-04.

Conditions:
Retinitis pigmentosa (RP). Identifiers: Orphanet 791, MedGen C0035334, MeSH D012174, MONDO:0019200, OMIM 268000. Inheritance: Autosomal dominant, autosomal recessive and X linked inheritance.
Retinitis pigmentosa 39 (RP39). Identifiers: Orphanet 791, MedGen C3151138, MONDO:0013436, OMIM 613809.

gnomAD v4.1: 2 of 1,613,840 alleles (0.00012%); highest among the groups gnomAD compares: Non-Finnish European, 0.00017%; no homozygotes.

Submissions (4):

Genome-Nilou Lab
Classification: Likely pathogenic for Retinitis pigmentosa 39. Last evaluated: 2023-11-04. Review status: criteria provided, single submitter. Criteria: ACMG Guidelines, 2015. Collection method: clinical testing. Allele origin: germline. Affected: no.

Baylor Genetics
Classification: Pathogenic for Retinitis pigmentosa 39. Last evaluated: 2023-06-03. Review status: criteria provided, single submitter. Criteria: ACMG Guidelines, 2015. Collection method: clinical testing. Allele origin: unknown.

Labcorp Genetics (formerly Invitae), Labcorp
Classification: Pathogenic. Last evaluated: 2022-09-27. Review status: criteria provided, single submitter. Criteria: Invitae Variant Classification Sherloc (09022015). Collection method: clinical testing. Allele origin: germline.
Comment: For these reasons, this variant has been classified as Pathogenic. ClinVar contains an entry for this variant (Variation ID: 1297140). This variant has not been reported in the literature in individuals affected with USH2A-related conditions. This variant is not present in population databases (gnomAD no frequency). This sequence change creates a premature translational stop signal (p.Cys3399*) in the USH2A gene. It is expected to result in an absent or disrupted protein product. Loss-of-function variants in USH2A are known to be pathogenic (PMID: 10729113, 10909849, 20507924, 25649381).

Broad Center for Mendelian Genomics, Broad Institute of MIT and Harvard
Classification: Likely pathogenic for Retinitis pigmentosa. Last evaluated: 2021-04-01. Review status: criteria provided, single submitter. Criteria: ACMG Guidelines, 2015. Collection method: curation. Allele origin: germline. Inheritance: Autosomal recessive inheritance. Affected: yes.
Comment: Through a review of available evidence we were able to apply the following criteria: PVS1, PM2. Based on this evidence we have classified this variant as Likely Pathogenic. If you have any questions about the classification please reach out to the Pierce Lab.

Literature cited by the submitters: PubMed 10729113 (cited by Labcorp Genetics (formerly Invitae), Labcorp); PubMed 10909849 (cited by Labcorp Genetics (formerly Invitae), Labcorp); PubMed 20507924 (cited by Labcorp Genetics (formerly Invitae), Labcorp); PubMed 25649381 (cited by Labcorp Genetics (formerly Invitae), Labcorp); PubMed 34906470 (cited by Broad Center for Mendelian Genomics, Broad Institute of MIT and Harvard).

NM_206933.4(USH2A):c.10197C>A (p.Cys3399Ter)

Gene: USH2A (usherin; minus strand). Cytogenetic location: 1q41.
Variant type: single nucleotide variant.
Coding change: c.10197C>A on transcript NM_206933.4 (MANE Select); coding-DNA position 10197, C replaced by A.
Protein change: p.Cys3399Ter; replaces cysteine 3399 with a stop codon.
Molecular consequence: nonsense.
Genome position (GRCh38, 1-based): chr1:215,786,860, G>T on the plus strand (C>A on the coding strand, the complement: USH2A is on the minus strand). VCF-style: chr1-215786860-G-T. GRCh37 (hg19) VCF-style: chr1-215960202-G-T.
Other names: short protein forms C3399*.
Identifiers: ClinVar variation 1297140 (VCV001297140.11), dbSNP rs1183957540, ClinGen allele CA344840662.